The following is an entry in ClinVar:

NM_003742.4(ABCB11):c.-27-1G>A

Gene: ABCB11 (ATP binding cassette subfamily B member 11; minus strand). Cytogenetic location: 2q31.1.
Variant type: single nucleotide variant.
Coding change: c.-27-1G>A on transcript NM_003742.4 (MANE Select); the canonical splice acceptor site of the intron before 27 bases upstream of the start codon, G replaced by A.
Molecular consequence: splice acceptor variant.
Genome position (GRCh38, 1-based): chr2:169,018,153, C>T on the plus strand (G>A on the coding strand, the complement: ABCB11 is on the minus strand). VCF-style: chr2-169018153-C-T. GRCh37 (hg19) VCF-style: chr2-169874663-C-T.
Identifiers: ClinVar variation 4537259 (VCV004537259.2).
Genomic context (GRCh38, chr2:169,018,153, plus strand): 5'-CTTTATACTTCGAAGAATTACTGAGTCAGACATGGTAATTGCAACCCACAGCCAACGACC[C>T]TATAAAATAAAATAAAAGAATCATTGCAATTATTATCTCTTCTTTCTTCTTTAATCAAAG-3'

ClinVar aggregate classification (germline): Uncertain significance. Review status: criteria provided, multiple submitters, no conflicts (2 of 4 stars). 2 submissions from 2 submitters: Uncertain significance (2). Last evaluated 2026-04-14.

Conditions:
Familial intrahepatic cholestasis. Identifiers: Orphanet 284385, MedGen CN296401, MONDO:0017290.

gnomAD v4.1: 1 of 1,608,058 alleles (0.000062%); highest among the groups gnomAD compares: Non-Finnish European, 0.000085%; no homozygotes.

Submissions (2):

Genomenon, Inc
Classification: Uncertain significance for Familial intrahepatic cholestasis. Last evaluated: 2026-04-14. Review status: criteria provided, single submitter. Criteria: Genomenon Sequence Variant Interpretation Standards - Updated. Collection method: curation. Allele origin: germline. Affected: yes.
Comment: ABCB11 c.-27-1G>A is a splice variant affecting the canonical acceptor splice site of intron 1. This variant has been observed in at least one proband with an ABCB11-related disorder (PMID:37471416). It is absent or not present at a significant frequency in gnomAD. In silico models predict that this variant is possibly or probably damaging. In conclusion, we classify ABCB11 c.-27-1G>A as a variant of uncertain significance.

Women's Health and Genetics/Laboratory Corporation of America, LabCorp
Classification: Uncertain significance. Last evaluated: 2025-11-21. Review status: criteria provided, single submitter. Criteria: LabCorp Variant Classification Summary - May 2015. Collection method: clinical testing. Allele origin: germline.
Comment: Variant summary: ABCB11 c.-27-1G>A is located in a canonical splice-site and is predicted to affect mRNA splicing resulting in a significantly altered protein due to either exon skipping, shortening, or inclusion of intronic material. Variants that disrupt the consensus splice site are a relatively common cause of aberrant splicing and loss of ABCB11 function. Several computational tools predict a significant impact on normal splicing: One predict the variant creates a 5' donor site. Four predict the variant abolishes a 3' acceptor site. Four predict the variant creates a 3' acceptor site. However, these predictions have yet to be confirmed by functional studies. The variant allele was found at a frequency of 4e-06 in 247218 control chromosomes. The available data on variant occurrences in the general population are insufficient to allow any conclusion about variant significance. c.-27-1G>A has been observed in individual(s) affected with Progressive familial intrahepatic cholestasis type 1 (Neoldov_2023). These data do not allow any conclusion about variant significance. To our knowledge, no experimental evidence demonstrating an impact on protein function has been reported. The following publication has been ascertained in the context of this evaluation (PMID: 37471416). No submitters have cited clinical-significance assessments for this variant to ClinVar. Based on the evidence outlined above, the variant was classified as uncertain significance.

Literature cited by the submitters: PubMed 37471416 (cited by Genomenon, Inc and Women's Health and Genetics/Laboratory Corporation of America, LabCorp).